The following is an entry in ClinVar:

ClinVar aggregate classification (germline): Uncertain significance (1 of 4 stars; one submission).

Conditions:
LAMA2-related muscular dystrophy (LAMA2-RD). Also called: Laminin alpha 2-related dystrophy. Identifiers: MedGen C5679788, MONDO:0100228.

Allele frequency attached by ClinVar (database versions not stated): TOPMed below 0.00001; gnomAD 0.00001; gnomAD exomes 0.00001.
gnomAD v4.1: 19 of 1,613,918 alleles (0.0012%); highest among the groups gnomAD compares: South Asian, 0.0077%; no homozygotes.

Submission:

Labcorp Genetics (formerly Invitae), Labcorp
Classification: Uncertain significance for LAMA2-related muscular dystrophy. Last evaluated: 2022-03-18. Review status: criteria provided, single submitter. Criteria: Invitae Variant Classification Sherloc (09022015). Collection method: clinical testing. Allele origin: germline.
Comment: This sequence change replaces threonine, which is neutral and polar, with methionine, which is neutral and non-polar, at codon 1553 of the LAMA2 protein (p.Thr1553Met). This variant is present in population databases (no rsID available, gnomAD 0.003%). This variant has not been reported in the literature in individuals affected with LAMA2-related conditions. Advanced modeling of protein sequence and biophysical properties (such as structural, functional, and spatial information, amino acid conservation, physicochemical variation, residue mobility, and thermodynamic stability) performed at Invitae indicates that this missense variant is not expected to disrupt LAMA2 protein function. In summary, the available evidence is currently insufficient to determine the role of this variant in disease. Therefore, it has been classified as a Variant of Uncertain Significance.

NM_000426.4(LAMA2):c.4658C>T (p.Thr1553Met)

Gene: LAMA2 (laminin subunit alpha 2; plus strand). Cytogenetic location: 6q22.33.
Variant type: single nucleotide variant.
Coding change: c.4658C>T on transcript NM_000426.4 (MANE Select); coding-DNA position 4658, C replaced by T.
Protein change: p.Thr1553Met; replaces threonine 1553 with methionine.
Molecular consequence: missense variant.
Genome position (GRCh38, 1-based): chr6:129,353,298, C>T. VCF-style: chr6-129353298-C-T. GRCh37 (hg19) VCF-style: chr6-129674443-C-T.
Other names: c.4658C>T, p.Thr1553Met (NM_001079823.2); short protein forms T1553M.
Identifiers: ClinVar variation 1434034 (VCV001434034.5), dbSNP rs1166200402, ClinGen allele CA365618708.
Genomic context (GRCh38, chr6:129,353,298, plus strand): 5'-GCTCACTGCCTGTGCCCTGTGACCCTGTCACAGGATTCTGCACGTGCCGACCTGGAGCCA[C>T]GGGAAGGAAGTGTGACGGCTGCAAGCACTGGCATGCACGCGAGGGCTGGGAGTGTGTTTG-3'
Protein context (NP_000417.3, residues 1543-1563): TGFCTCRPGA[Thr1553Met]GRKCDGCKHW